The following is an entry in ClinVar:

NM_198253.3(TERT):c.981G>T (p.Glu327Asp)

Gene: TERT (telomerase reverse transcriptase; minus strand). Cytogenetic location: 5p15.33.
Variant type: single nucleotide variant.
Coding change: c.981G>T on transcript NM_198253.3 (MANE Select); coding-DNA position 981, G replaced by T.
Protein change: p.Glu327Asp; replaces glutamic acid 327 with aspartic acid.
Molecular consequence: missense variant. On other transcripts: non-coding transcript variant (2).
Genome position (GRCh38, 1-based): chr5:1,293,905, C>A on the plus strand (G>T on the coding strand, the complement: TERT is on the minus strand). VCF-style: chr5-1293905-C-A. GRCh37 (hg19) VCF-style: chr5-1294020-C-A.
Other names: c.981G>T, p.Glu327Asp (NM_001193376.3); short protein forms E327D.
Identifiers: ClinVar variation 841410 (VCV000841410.1), dbSNP rs1751174775, ClinGen allele CA359056029.

ClinVar aggregate classification (germline): Uncertain significance (1 of 4 stars; one submission).

Conditions:
Interstitial lung disease 2 (ILD2). Also called: Familial idiopathic pulmonary fibrosis; FIBROCYSTIC PULMONARY DYSPLASIA; FIBROSING ALVEOLITIS, CRYPTOGENIC. Identifiers: Orphanet 2032, Orphanet 79126, MedGen C5561926, MONDO:0800497, OMIM 178500, MONDO:0800029.
Dyskeratosis congenita, autosomal dominant 2. Identifiers: MedGen C3151443, MONDO:0013521, OMIM 613989.

Submission:

Labcorp Genetics (formerly Invitae), Labcorp
Classification: Uncertain significance for Dyskeratosis congenita, autosomal dominant, 2; Idiopathic fibrosing alveolitis, chronic form. Last evaluated: 2019-12-03. Review status: criteria provided, single submitter. Criteria: Invitae Variant Classification Sherloc (09022015). Collection method: clinical testing. Allele origin: germline.
Comment: This sequence change replaces glutamic acid with aspartic acid at codon 327 of the TERT protein (p.Glu327Asp). The glutamic acid residue is moderately conserved and there is a small physicochemical difference between glutamic acid and aspartic acid. This variant is not present in population databases (ExAC no frequency). This variant has not been reported in the literature in individuals with TERT-related conditions. Algorithms developed to predict the effect of missense changes on protein structure and function output the following: SIFT: "Tolerated"; PolyPhen-2: "Benign"; Align-GVGD: "Class C0". The aspartic acid amino acid residue is found in multiple mammalian species, suggesting that this missense change does not adversely affect protein function. These predictions have not been confirmed by published functional studies and their clinical significance is uncertain. In summary, the available evidence is currently insufficient to determine the role of this variant in disease. Therefore, it has been classified as a Variant of Uncertain Significance.